The following is an entry in ClinVar:

ClinVar aggregate classification (germline): Conflicting classifications of pathogenicity. Review status: criteria provided, conflicting classifications (1 of 4 stars). 2 submissions from 2 submitters: Uncertain significance (1); Likely benign (1). Last evaluated 2025-06-13.

Conditions:
Cardiovascular phenotype. Identifiers: MedGen CN230736.

gnomAD v4.1: 24 of 1,550,264 alleles (0.0015%); highest among the groups gnomAD compares: Middle Eastern, 0.017%; no homozygotes.

Submissions (2):

Women's Health and Genetics/Laboratory Corporation of America, LabCorp
Classification: Uncertain significance. Last evaluated: 2025-06-13. Review status: criteria provided, single submitter. Criteria: LabCorp Variant Classification Summary - May 2015. Collection method: clinical testing. Allele origin: germline.
Comment: Variant summary: ZNF469 c.5579C>T (p.Ala1860Val) results in a non-conservative amino acid change in the encoded protein sequence. Algorithms developed to predict the effect of missense changes on protein structure and function are either unavailable or do not agree on the potential impact of this missense change. The variant allele was found at a frequency of 3.3e-05 in 150702 control chromosomes. The available data on variant occurrences in the general population are insufficient to allow any conclusion about variant significance. To our knowledge, no occurrence of c.5579C>T in individuals affected with Brittle cornea syndrome 1 and no experimental evidence demonstrating its impact on protein function have been reported. ClinVar contains an entry for this variant (Variation ID: 3258198). Based on the evidence outlined above, the variant was classified as uncertain significance.

Ambry Genetics
Classification: Likely benign for Cardiovascular phenotype. Last evaluated: 2024-07-08. Review status: criteria provided, single submitter. Criteria: Ambry Variant Classification Scheme 2023. Collection method: clinical testing. Allele origin: germline.

NM_001367624.2(ZNF469):c.5579C>T (p.Ala1860Val)

Gene: ZNF469 (zinc finger protein 469; plus strand). Cytogenetic location: 16q24.2.
Variant type: single nucleotide variant.
Coding change: c.5579C>T on transcript NM_001367624.2 (MANE Select); coding-DNA position 5579, C replaced by T.
Protein change: p.Ala1860Val; replaces alanine 1860 with valine.
Molecular consequence: missense variant.
Genome position (GRCh38, 1-based): chr16:88,433,049, C>T. VCF-style: chr16-88433049-C-T. GRCh37 (hg19) VCF-style: chr16-88499457-C-T.
Other names: NM_001127464.1:c.5495C>T; short protein forms A1860V.
Identifiers: ClinVar variation 3258198 (VCV003258198.3).